The following is an entry in ClinVar:

NM_020381.4(PDSS2):c.737C>T (p.Thr246Ile)

Gene: PDSS2 (decaprenyl diphosphate synthase subunit 2; minus strand). Cytogenetic location: 6q21.
Variant type: single nucleotide variant.
Coding change: c.737C>T on transcript NM_020381.4 (MANE Select); coding-DNA position 737, C replaced by T.
Protein change: p.Thr246Ile; replaces threonine 246 with isoleucine.
Molecular consequence: missense variant.
Genome position (GRCh38, 1-based): chr6:107,212,248, G>A on the plus strand (C>T on the coding strand, the complement: PDSS2 is on the minus strand). VCF-style: chr6-107212248-G-A. GRCh37 (hg19) VCF-style: chr6-107533452-G-A.
Other names: c.737C>T (NM_020381.3); short protein forms T246I.
Identifiers: ClinVar variation 1490204 (VCV001490204.8), dbSNP rs148107195, ClinGen allele CA3946017.

ClinVar aggregate classification (germline): Uncertain significance. Review status: criteria provided, multiple submitters, no conflicts (2 of 4 stars). 3 submissions from 3 submitters: Uncertain significance (3). Last evaluated 2024-04-01.

Conditions:
Inborn genetic diseases. Identifiers: MedGen C0950123, MeSH D030342.
Coenzyme Q10 deficiency, primary, 3 (COQ10D3). Identifiers: Orphanet 255249, MedGen C3553358, MONDO:0013838, OMIM 614652.

Allele frequency attached by ClinVar (database versions not stated): gnomAD 0.00001; TOPMed 0.00001; gnomAD exomes 0.00002 and 0.00005; ExAC 0.00003; ESP Exome Variant Server 0.00008.
gnomAD v4.1: 71 of 1,613,588 alleles (0.0044%); highest among the groups gnomAD compares: Non-Finnish European, 0.006%; no homozygotes.

Submissions (3):

Fulgent Genetics
Classification: Uncertain significance for Coenzyme Q10 deficiency, primary, 3. Last evaluated: 2024-04-01. Review status: criteria provided, single submitter. Criteria: ACMG Guidelines, 2015. Collection method: clinical testing. Allele origin: germline.

Ambry Genetics
Classification: Uncertain significance for Inborn genetic diseases. Last evaluated: 2023-02-06. Review status: criteria provided, single submitter. Criteria: Ambry Variant Classification Scheme 2023. Collection method: clinical testing. Allele origin: germline.

Labcorp Genetics (formerly Invitae), Labcorp
Classification: Uncertain significance. Last evaluated: 2021-11-17. Review status: criteria provided, single submitter. Criteria: Invitae Variant Classification Sherloc (09022015). Collection method: clinical testing. Allele origin: germline.
Comment: This variant is present in population databases (rs148107195, gnomAD 0.007%). This sequence change replaces threonine, which is neutral and polar, with isoleucine, which is neutral and non-polar, at codon 246 of the PDSS2 protein (p.Thr246Ile). This variant has not been reported in the literature in individuals affected with PDSS2-related conditions. Algorithms developed to predict the effect of missense changes on protein structure and function (SIFT, PolyPhen-2, Align-GVGD) all suggest that this variant is likely to be tolerated. In summary, the available evidence is currently insufficient to determine the role of this variant in disease. Therefore, it has been classified as a Variant of Uncertain Significance.